The following is an entry in ClinVar:

ClinVar aggregate classification (germline): Uncertain significance (1 of 4 stars; one submission).

Allele frequency attached by ClinVar (database versions not stated): gnomAD exomes below 0.00001; TOPMed below 0.00001.
gnomAD v4.1: 5 of 1,614,176 alleles (0.00031%); highest among the groups gnomAD compares: Admixed American, 0.005%; no homozygotes.

Submission:

Labcorp Genetics (formerly Invitae), Labcorp
Classification: Uncertain significance. Last evaluated: 2025-05-13. Review status: criteria provided, single submitter. Criteria: Invitae Variant Classification Sherloc (09022015). Collection method: clinical testing. Allele origin: germline.
Comment: This sequence change replaces tyrosine, which is neutral and polar, with histidine, which is basic and polar, at codon 265 of the OPN1SW protein (p.Tyr265His). This variant is present in population databases (no rsID available, gnomAD 0.006%). This variant has not been reported in the literature in individuals affected with OPN1SW-related conditions. ClinVar contains an entry for this variant (Variation ID: 2095554). An algorithm developed to predict the effect of missense changes on protein structure and function (PolyPhen-2) suggests that this variant is likely to be disruptive. In summary, the available evidence is currently insufficient to determine the role of this variant in disease. Therefore, it has been classified as a Variant of Uncertain Significance.

NM_001385125.1(OPN1SW):c.784T>C (p.Tyr262His)

Gene: OPN1SW (opsin 1, short wave sensitive; minus strand). Cytogenetic location: 7q32.1.
Variant type: single nucleotide variant.
Coding change: c.784T>C on transcript NM_001385125.1 (MANE Select); coding-DNA position 784, T replaced by C.
Protein change: p.Tyr262His; replaces tyrosine 262 with histidine.
Molecular consequence: missense variant.
Genome position (GRCh38, 1-based): chr7:128,773,783, A>G on the plus strand (T>C on the coding strand, the complement: OPN1SW is on the minus strand). VCF-style: chr7-128773783-A-G. GRCh37 (hg19) VCF-style: chr7-128413837-A-G.
Other names: short protein forms Y262H.
Identifiers: ClinVar variation 2095554 (VCV002095554.4), dbSNP rs1225866702, ClinGen allele CA369217842.